The following is an entry in ClinVar:

NM_001098511.3(KIF2A):c.1568G>A (p.Arg523His)

Gene: KIF2A (kinesin family member 2A; plus strand). Cytogenetic location: 5q12.1.
Variant type: single nucleotide variant.
Coding change: c.1568G>A on transcript NM_001098511.3 (MANE Select); coding-DNA position 1568, G replaced by A.
Protein change: p.Arg523His; replaces arginine 523 with histidine.
Molecular consequence: missense variant.
Genome position (GRCh38, 1-based): chr5:62,365,343, G>A. VCF-style: chr5-62365343-G-A. GRCh37 (hg19) VCF-style: chr5-61661170-G-A.
Other names: c.1487G>A, p.Arg496His (NM_001243952.2); c.1511G>A, p.Arg504His (NM_001243953.2); c.1568G>A, p.Arg523His (NM_004520.5); short protein forms R496H, R504H, R523H.
Identifiers: ClinVar variation 2051485 (VCV002051485.4), dbSNP rs1741017088, ClinGen allele CA359951906.
Genomic context (GRCh38, chr5:62,365,343, plus strand): 5'-CTTTCCGTGCAAGTAAACTCACTCAGGTGTTAAGAGATTCTTTCATAGGTGAAAACTCTC[G>A]TACCTGCATGGTAAGTTTATGTTTATTTTTTGTTTGTTTTATTTTAATCCTAAAGGAATA-3'
Protein context (NP_001091981.1, residues 513-533): LRDSFIGENS[Arg523His]TCMIATISPG

ClinVar aggregate classification (germline): Uncertain significance (1 of 4 stars; one submission).

Allele frequency attached by ClinVar (database versions not stated): gnomAD exomes below 0.00001; TOPMed below 0.00001.
gnomAD v4.1: 1 of 1,522,104 alleles (0.000066%); highest among the groups gnomAD compares: Non-Finnish European, 0.00009%; no homozygotes.

Submission:

Labcorp Genetics (formerly Invitae), Labcorp
Classification: Uncertain significance. Last evaluated: 2023-05-30. Review status: criteria provided, single submitter. Criteria: Invitae Variant Classification Sherloc (09022015). Collection method: clinical testing. Allele origin: germline.
Comment: In summary, the available evidence is currently insufficient to determine the role of this variant in disease. Therefore, it has been classified as a Variant of Uncertain Significance. An algorithm developed to predict the effect of missense changes on protein structure and function (PolyPhen-2) suggests that this variant is likely to be disruptive. ClinVar contains an entry for this variant (Variation ID: 2051485). This variant has not been reported in the literature in individuals affected with KIF2A-related conditions. This variant is not present in population databases (gnomAD no frequency). This sequence change replaces arginine, which is basic and polar, with histidine, which is basic and polar, at codon 523 of the KIF2A protein (p.Arg523His).